The following is an entry in ClinVar:

NM_001303256.3(MORC2):c.2522+17G>C

Gene: MORC2 (MORC family CW-type zinc finger 2; minus strand). Cytogenetic location: 22q12.2.
Variant type: single nucleotide variant.
Coding change: c.2522+17G>C on transcript NM_001303256.3 (MANE Select); 17 bases into the intron after coding-DNA position 2522, G replaced by C.
Molecular consequence: intron variant.
Genome position (GRCh38, 1-based): chr22:30,932,872, C>G on the plus strand (G>C on the coding strand, the complement: MORC2 is on the minus strand). VCF-style: chr22-30932872-C-G. GRCh37 (hg19) VCF-style: chr22-31328859-C-G.
Other names: c.2522+17G>C (NM_001303257.2); c.2336+17G>C (NM_014941.3).
Identifiers: ClinVar variation 2718732 (VCV002718732.3), dbSNP rs199686987, ClinGen allele CA10186637.

ClinVar aggregate classification (germline): Uncertain significance (1 of 4 stars; one submission).

Conditions:
Charcot-Marie-Tooth disease axonal type 2Z. Also called: CHARCOT-MARIE-TOOTH DISEASE, AXONAL, AUTOSOMAL DOMINANT, TYPE 2Z; CHARCOT-MARIE-TOOTH NEUROPATHY, TYPE 2Z. Identifiers: Orphanet 466768, MedGen C5569025, MONDO:0014736, OMIM 616688.

gnomAD v4.1: 30 of 1,614,010 alleles (0.0019%); highest among the groups gnomAD compares: Admixed American, 0.0067%; no homozygotes.

Submission:

Labcorp Genetics (formerly Invitae), Labcorp
Classification: Uncertain significance for Charcot-Marie-Tooth disease axonal type 2Z. Last evaluated: 2022-11-23. Review status: criteria provided, single submitter. Criteria: Invitae Variant Classification Sherloc (09022015). Collection method: clinical testing. Allele origin: germline.
Comment: In summary, the available evidence is currently insufficient to determine the role of this variant in disease. Therefore, it has been classified as a Variant of Uncertain Significance. Algorithms developed to predict the effect of sequence changes on RNA splicing suggest that this variant may create or strengthen a splice site. This variant has not been reported in the literature in individuals affected with MORC2-related conditions. This variant is present in population databases (rs199686987, gnomAD 0.009%). This sequence change falls in intron 22 of the MORC2 gene. It does not directly change the encoded amino acid sequence of the MORC2 protein.